The following is an entry in ClinVar:

NM_032237.5(POMK):c.715G>A (p.Gly239Arg)

Gene: POMK (protein O-mannose kinase; plus strand). Cytogenetic location: 8p11.21.
Variant type: single nucleotide variant.
Coding change: c.715G>A on transcript NM_032237.5 (MANE Select); coding-DNA position 715, G replaced by A.
Protein change: p.Gly239Arg; replaces glycine 239 with arginine.
Molecular consequence: missense variant.
Genome position (GRCh38, 1-based): chr8:43,122,539, G>A. VCF-style: chr8-43122539-G-A. GRCh37 (hg19) VCF-style: chr8-42977682-G-A.
Other names: c.715G>A, p.Gly239Arg (NM_001277971.2); short protein forms G239R.
Identifiers: ClinVar variation 645576 (VCV000645576.5), dbSNP rs35104071, ClinGen allele CA4736343.

ClinVar aggregate classification (germline): Uncertain significance. Review status: criteria provided, multiple submitters, no conflicts (2 of 4 stars). 2 submissions from 2 submitters: Uncertain significance (2). Last evaluated 2022-09-13.

Conditions:
Limb-girdle muscular dystrophy due to POMK deficiency. Also called: MUSCULAR DYSTROPHY-DYSTROGLYCANOPATHY, LIMB-GIRDLE, POMK-RELATED; Muscular dystrophy-dystroglycanopathy (limb-girdle), type c, 12. Identifiers: Orphanet 445110, MedGen C4015184, MONDO:0014489, OMIM 616094.
Muscular dystrophy-dystroglycanopathy (congenital with brain and eye anomalies), type a, 12 (MDDGA12). Also called: WALKER-WARBURG SYNDROME OR MUSCLE-EYE-BRAIN DISEASE, POMK-RELATED. Identifiers: Orphanet 899, MedGen C3808964, MONDO:0014101, OMIM 615249.

Allele frequency attached by ClinVar (database versions not stated): ExAC 0.00001; gnomAD exomes 0.00002; gnomAD 0.00003; TOPMed 0.00004.
gnomAD v4.1: 30 of 1,614,040 alleles (0.0019%); highest among the groups gnomAD compares: African/African-American, 0.0093%; no homozygotes.

Submissions (2):

Labcorp Genetics (formerly Invitae), Labcorp
Classification: Uncertain significance for Muscular dystrophy-dystroglycanopathy (congenital with brain and eye anomalies), type a, 12; Limb-girdle muscular dystrophy due to POMK deficiency. Last evaluated: 2022-09-13. Review status: criteria provided, single submitter. Criteria: Invitae Variant Classification Sherloc (09022015). Collection method: clinical testing. Allele origin: germline.
Comment: This sequence change replaces glycine, which is neutral and non-polar, with arginine, which is basic and polar, at codon 239 of the POMK protein (p.Gly239Arg). This variant is present in population databases (rs35104071, gnomAD 0.01%). This variant has not been reported in the literature in individuals affected with POMK-related conditions. ClinVar contains an entry for this variant (Variation ID: 645576). Advanced modeling of protein sequence and biophysical properties (such as structural, functional, and spatial information, amino acid conservation, physicochemical variation, residue mobility, and thermodynamic stability) performed at Invitae indicates that this missense variant is not expected to disrupt POMK protein function. In summary, the available evidence is currently insufficient to determine the role of this variant in disease. Therefore, it has been classified as a Variant of Uncertain Significance.

Revvity Omics, Revvity
Classification: Uncertain significance. Last evaluated: 2019-10-29. Review status: criteria provided, single submitter. Criteria: ACMG Guidelines, 2015. Collection method: clinical testing. Allele origin: germline.